The following is an entry in ClinVar:

ClinVar aggregate classification (germline): Uncertain significance. Review status: criteria provided, multiple submitters, no conflicts (2 of 4 stars). 2 submissions from 2 submitters: Uncertain significance (2). Last evaluated 2026-01-18.

Conditions:
Inborn genetic diseases. Identifiers: MedGen C0950123, MeSH D030342.

gnomAD v4.1: 1 of 1,211,094 alleles (0.000083%); highest among the groups gnomAD compares: Non-Finnish European, 0.00011%; no homozygotes.

Submissions (2):

Labcorp Genetics (formerly Invitae), Labcorp
Classification: Uncertain significance. Last evaluated: 2026-01-18. Review status: criteria provided, single submitter. Criteria: Invitae Variant Classification Sherloc (09022015). Collection method: clinical testing. Allele origin: germline.
Comment: This sequence change replaces serine, which is neutral and polar, with cysteine, which is neutral and slightly polar, at codon 144 of the MSN protein (p.Ser144Cys). The frequency data for this variant in the population databases is considered unreliable, as metrics indicate poor data quality at this position in the gnomAD database. This variant has not been reported in the literature in individuals affected with MSN-related conditions. An algorithm developed to predict the effect of missense changes on protein structure and function (PolyPhen-2) suggests that this variant is likely to be tolerated. In summary, the available evidence is currently insufficient to determine the role of this variant in disease. Therefore, it has been classified as a Variant of Uncertain Significance.

Ambry Genetics
Classification: Uncertain significance for Inborn genetic diseases. Last evaluated: 2025-10-23. Review status: criteria provided, single submitter. Criteria: Ambry Variant Classification Scheme 2023. Collection method: clinical testing. Allele origin: germline.

NM_002444.3(MSN):c.431C>G (p.Ser144Cys)

Gene: MSN (moesin; plus strand). Cytogenetic location: Xq12.
Variant type: single nucleotide variant.
Coding change: c.431C>G on transcript NM_002444.3 (MANE Select); coding-DNA position 431, C replaced by G.
Protein change: p.Ser144Cys; replaces serine 144 with cysteine.
Molecular consequence: missense variant.
Genome position (GRCh38, 1-based): chrX:65,729,676, C>G. VCF-style: chrX-65729676-C-G. GRCh37 (hg19) VCF-style: chrX-64949538-C-G.
Other names: c.434C>G, p.Ser145Cys (NM_001440778.1); short protein forms S144C, S145C.
Identifiers: ClinVar variation 4625237 (VCV004625237.2).